The following is an entry in ClinVar:

ClinVar aggregate classification (germline): Likely benign. Review status: criteria provided, multiple submitters, no conflicts (2 of 4 stars). 2 submissions from 2 submitters: Likely benign (2). Last evaluated 2024-05-08.

gnomAD v4.1: 12 of 1,614,132 alleles (0.00074%); highest among the groups gnomAD compares: South Asian, 0.013%; no homozygotes.

Submissions (2):

Labcorp Genetics (formerly Invitae), Labcorp
Classification: Likely benign. Last evaluated: 2024-05-08. Review status: criteria provided, single submitter. Criteria: Invitae Variant Classification Sherloc (09022015). Collection method: clinical testing. Allele origin: germline.

GeneDx
Classification: Likely benign. Last evaluated: 2016-03-30. Review status: criteria provided, single submitter. Criteria: GeneDx Variant Classification (06012015). Collection method: clinical testing. Allele origin: germline. Affected: yes.
Comment: This variant is considered likely benign or benign based on one or more of the following criteria: it is a conservative change, it occurs at a poorly conserved position in the protein, it is predicted to be benign by multiple in silico algorithms, and/or has population frequency not consistent with disease.

NM_017837.4(PIGV):c.1452C>G (p.Leu484=)

Gene: PIGV (phosphatidylinositol glycan anchor biosynthesis class V; plus strand). Cytogenetic location: 1p36.11.
Variant type: single nucleotide variant.
Coding change: c.1452C>G on transcript NM_017837.4 (MANE Select); coding-DNA position 1452, C replaced by G.
Protein change: p.Leu484=; no amino-acid change (leucine 484 retained).
Molecular consequence: synonymous variant. On other transcripts: non-coding transcript variant (2).
Genome position (GRCh38, 1-based): chr1:26,797,814, C>G. VCF-style: chr1-26797814-C-G. GRCh37 (hg19) VCF-style: chr1-27124305-C-G.
Other names: c.1452C>G, p.Leu484= (NM_001202554.2, NM_001374478.1, NM_001374480.1 and 2 more transcripts); c.1071C>G, p.Leu357= (NM_001374483.1); c.825C>G, p.Leu275= (NM_001374484.1, NM_001374485.1); c.330C>G, p.Leu110= (NM_001374486.1).
Identifiers: ClinVar variation 384960 (VCV000384960.3), dbSNP rs148409472, ClinGen allele CA708233.